The following is an entry in ClinVar:

NM_133433.4(NIPBL):c.2159G>A (p.Gly720Glu)

Gene: NIPBL (NIPBL cohesin loading factor; plus strand). Cytogenetic location: 5p13.2.
Variant type: single nucleotide variant.
Coding change: c.2159G>A on transcript NM_133433.4 (MANE Select); coding-DNA position 2159, G replaced by A.
Protein change: p.Gly720Glu; replaces glycine 720 with glutamic acid.
Molecular consequence: missense variant.
Genome position (GRCh38, 1-based): chr5:36,985,339, G>A. VCF-style: chr5-36985339-G-A. GRCh37 (hg19) VCF-style: chr5-36985441-G-A.
Other names: c.2159G>A, p.Gly720Glu (NM_015384.5); short protein forms G720E.
Identifiers: ClinVar variation 3360077 (VCV003360077.1).
Genomic context (GRCh38, chr5:36,985,339, plus strand): 5'-CTGAAACCCCAAAGCAAAAGGGTGAAAGCCGGCCTGAGACTCCAAAACAAAAGAGTGATG[G>A]GCATCCTGAAACCCCAAAACAGAAGGGTGATGGAAGGCCTGAAACTCCAAAGCAAAAAGG-3'
Protein context (NP_597677.2, residues 710-730): RPETPKQKSD[Gly720Glu]HPETPKQKGD

ClinVar aggregate classification (germline): Uncertain significance (1 of 4 stars; one submission).

Submission:

GeneDx
Classification: Uncertain significance. Last evaluated: 2023-06-16. Review status: criteria provided, single submitter. Criteria: GeneDx Variant Classification Process June 2021. Collection method: clinical testing. Allele origin: germline. Affected: yes.
Comment: Not observed at significant frequency in large population cohorts (gnomAD); In silico analysis supports that this missense variant does not alter protein structure/function; Has not been previously published as pathogenic or benign to our knowledge